The following is an entry in ClinVar:

ClinVar aggregate classification (germline): Uncertain significance (1 of 4 stars; one submission).

Conditions:
Hypertrophic cardiomyopathy. Also called: HYPERTROPHIC MYOCARDIOPATHY. Identifiers: Orphanet 217569, MedGen C0007194, MeSH D002312, MONDO:0005045, HP:0001639.

Submission:

Labcorp Genetics (formerly Invitae), Labcorp
Classification: Uncertain significance for Hypertrophic cardiomyopathy. Last evaluated: 2018-11-11. Review status: criteria provided, single submitter. Criteria: Invitae Variant Classification Sherloc (09022015). Collection method: clinical testing. Allele origin: germline.
Comment: This sequence change replaces lysine with arginine at codon 1305 of the MYH7 protein (p.Lys1305Arg). The lysine residue is highly conserved and there is a small physicochemical difference between lysine and arginine. This variant is not present in population databases (ExAC no frequency). This variant has not been reported in the literature in individuals with MYH7-related disease. Algorithms developed to predict the effect of missense changes on protein structure and function are either unavailable or do not agree on the potential impact of this missense change (SIFT: "Deleterious"; PolyPhen-2: "Possibly Damaging"; Align-GVGD: "Class C0"). In summary, the available evidence is currently insufficient to determine the role of this variant in disease. Therefore, it has been classified as a Variant of Uncertain Significance.

NM_000257.4(MYH7):c.3914A>G (p.Lys1305Arg)

Gene: MYH7 (myosin heavy chain 7; minus strand). Cytogenetic location: 14q11.2.
Variant type: single nucleotide variant.
Coding change: c.3914A>G on transcript NM_000257.4 (MANE Select); coding-DNA position 3914, A replaced by G.
Protein change: p.Lys1305Arg; replaces lysine 1305 with arginine.
Molecular consequence: missense variant.
Genome position (GRCh38, 1-based): chr14:23,419,235, T>C on the plus strand (A>G on the coding strand, the complement: MYH7 is on the minus strand). VCF-style: chr14-23419235-T-C. GRCh37 (hg19) VCF-style: chr14-23888444-T-C.
Other names: short protein forms K1305R.
Identifiers: ClinVar variation 662450 (VCV000662450.8), dbSNP rs1595077213, ClinGen allele CA389041617.